The following is an entry in ClinVar:

NM_002834.5(PTPN11):c.1117G>A (p.Asp373Asn)

Gene: PTPN11 (protein tyrosine phosphatase non-receptor type 11; plus strand). Cytogenetic location: 12q24.13.
Variant type: single nucleotide variant.
Coding change: c.1117G>A on transcript NM_002834.5 (MANE Select); coding-DNA position 1117, G replaced by A.
Protein change: p.Asp373Asn; replaces aspartic acid 373 with asparagine.
Molecular consequence: missense variant.
Genome position (GRCh38, 1-based): chr12:112,482,098, G>A. VCF-style: chr12-112482098-G-A. GRCh37 (hg19) VCF-style: chr12-112919902-G-A.
Other names: p.Asp373Asn; c.1117G>A, p.Asp373Asn (NM_001330437.2, NM_080601.3); c.1114G>A, p.Asp372Asn (NM_001374625.1); c.1117G>A (NM_002834.4); short protein forms D372N, D373N.
Identifiers: ClinVar variation 2712011 (VCV002712011.7), dbSNP rs1338792040, ClinGen allele CA386775583.

ClinVar aggregate classification (germline): Uncertain significance. Review status: criteria provided, multiple submitters, no conflicts (2 of 4 stars). 4 submissions from 4 submitters: Uncertain significance (4). Last evaluated 2025-09-17.

Conditions:
Cardiovascular phenotype. Identifiers: MedGen CN230736.
RASopathy. Also called: Noonan spectrum disorder; rasopathies. Identifiers: Orphanet 536391, MedGen C5555857, MONDO:0021060.

Allele frequency attached by ClinVar (database versions not stated): gnomAD exomes below 0.00001.
gnomAD v4.1: 3 of 1,582,430 alleles (0.00019%); highest among the groups gnomAD compares: Admixed American, 0.005%; no homozygotes.

Submissions (4):

GeneDx
Classification: Uncertain significance. Last evaluated: 2025-09-17. Review status: criteria provided, single submitter. Criteria: GeneDx Variant Classification Process June 2021. Collection method: clinical testing. Allele origin: germline.
Comment: Missense variants in this gene are a common cause of disease and they are underrepresented in the general population; In silico analysis supports that this missense variant has a deleterious effect on protein structure/function; Has not been previously published as pathogenic or benign to our knowledge; This variant is associated with the following publications: (PMID: 29493581)

Mayo Clinic Laboratories, Mayo Clinic
Classification: Uncertain significance. Last evaluated: 2025-08-29. Review status: criteria provided, single submitter. Criteria: ACMG Guidelines, 2015. Collection method: clinical testing. Allele origin: germline. Observed: 1 variant allele.

Labcorp Genetics (formerly Invitae), Labcorp
Classification: Uncertain significance for RASopathy. Last evaluated: 2025-05-26. Review status: criteria provided, single submitter. Criteria: Invitae Variant Classification Sherloc (09022015). Collection method: clinical testing. Allele origin: germline.
Comment: This sequence change replaces aspartic acid, which is acidic and polar, with asparagine, which is neutral and polar, at codon 373 of the PTPN11 protein (p.Asp373Asn). This variant is present in population databases (no rsID available, gnomAD 0.009%). This variant has not been reported in the literature in individuals affected with PTPN11-related conditions. ClinVar contains an entry for this variant (Variation ID: 2712011). Invitae Evidence Modeling of protein sequence and biophysical properties (such as structural, functional, and spatial information, amino acid conservation, physicochemical variation, residue mobility, and thermodynamic stability) has been performed for this missense variant. However, the output from this modeling did not meet the statistical confidence thresholds required to predict the impact of this variant on PTPN11 protein function. In summary, the available evidence is currently insufficient to determine the role of this variant in disease. Therefore, it has been classified as a Variant of Uncertain Significance.

Ambry Genetics
Classification: Uncertain significance for Cardiovascular phenotype. Last evaluated: 2025-01-16. Review status: criteria provided, single submitter. Criteria: Ambry Variant Classification Scheme 2023. Collection method: clinical testing. Allele origin: germline.
Comment: The p.D373N variant (also known as c.1117G>A), located in coding exon 10 of the PTPN11 gene, results from a G to A substitution at nucleotide position 1117. The aspartic acid at codon 373 is replaced by asparagine, an amino acid with highly similar properties. This amino acid position is conserved. In addition, this alteration is predicted to be tolerated by in silico analysis. Based on the available evidence, the clinical significance of this variant remains unclear.